The following is an entry in ClinVar:

ClinVar aggregate classification (germline): Pathogenic (1 of 4 stars; one submission).

Conditions:
Nephronophthisis. Also called: Juvenile Nephronophthisis. Identifiers: Orphanet 655, MedGen C0687120, MONDO:0019005, HP:0000090.

Submission:

Labcorp Genetics (formerly Invitae), Labcorp
Classification: Pathogenic for Nephronophthisis. Last evaluated: 2019-06-04. Review status: criteria provided, single submitter. Criteria: Invitae Variant Classification Sherloc (09022015). Collection method: clinical testing. Allele origin: germline.
Comment: Loss-of-function variants in NPHP3 are known to be pathogenic (PMID: 18371931, 23559409). This variant has not been reported in the literature in individuals with NPHP3-related conditions. This variant is not present in population databases (ExAC no frequency). This sequence change creates a premature translational stop signal (p.Ser146Valfs*3) in the NPHP3 gene. It is expected to result in an absent or disrupted protein product. For these reasons, this variant has been classified as Pathogenic.

Literature cited by the submitters: PubMed 18371931; PubMed 23559409.

NM_153240.5(NPHP3):c.436del (p.Ser146fs)

Genes: NPHP3 (nephrocystin 3; minus strand), NPHP3-ACAD11 (NPHP3-ACAD11 readthrough (NMD candidate); minus strand). Cytogenetic location: 3q22.1.
Variant type: Deletion.
Coding change: c.436del on transcript NM_153240.5 (MANE Select); coding-DNA position 436, one base deleted (A; older notation c.436delA).
Protein change: p.Ser146fs; shifts the reading frame from serine 146.
Molecular consequence: frameshift variant. On other transcripts: non-coding transcript variant (1).
Genome position (GRCh38, 1-based): chr3:132,719,788, T deleted on the plus strand (A on the coding strand, the reverse complement: NPHP3 is on the minus strand); the first of 3 consecutive T bases (chr3:132,719,788-132,719,790); deleting any one gives the same sequence. VCF-style (leftmost placement, unchanged base first): chr3-132719787-CT-C. GRCh37 (hg19) VCF-style: chr3-132438631-CT-C.
Other names: short protein forms S146fs.
Identifiers: ClinVar variation 946397 (VCV000946397.7), dbSNP rs1940156340, ClinGen allele CA1139658270.
Genomic context (GRCh38, chr3:132,719,787, plus strand): 5'-TCTCTGTCATGTTCAAATGTTGCTGCTCTCTCCATTGCTTGGTATTTCGCTTCTAAAGCA[CT>C]TTCTTTTTCTCGAAGTATCTTCTGATACGTTTTTTGAAGTGCCTAGAATAATTTACCTTG-3'